The following is an entry in ClinVar:

ClinVar aggregate classification (germline): Likely benign (0 of 4 stars; one submission).

Conditions:
MDN1-related disorder. Also called: MDN1-related condition.

Allele frequency attached by ClinVar (database versions not stated): ExAC 0.00050; 1000 Genomes Project 0.00100; 1000 Genomes Project 30x 0.00109; gnomAD 0.00151; ESP Exome Variant Server 0.00169; TOPMed 0.00191.
gnomAD v4.1: 512 of 1,614,064 alleles (0.032%); highest among the groups gnomAD compares: African/African-American, 0.62%; no homozygotes.

Submission:

PreventionGenetics, part of Exact Sciences
Classification: Likely benign for MDN1-related condition. Last evaluated: 2019-05-08. Review status: no assertion criteria provided. Collection method: clinical testing. Allele origin: germline.
Comment: This variant is classified as likely benign based on ACMG/AMP sequence variant interpretation guidelines (Richards et al. 2015 PMID: 25741868, with internal and published modifications).

NM_014611.3(MDN1):c.728C>T (p.Ser243Phe)

Gene: MDN1 (midasin AAA ATPase 1; minus strand). Cytogenetic location: 6q15.
Variant type: single nucleotide variant.
Coding change: c.728C>T on transcript NM_014611.3 (MANE Select); coding-DNA position 728, C replaced by T.
Protein change: p.Ser243Phe; replaces serine 243 with phenylalanine.
Molecular consequence: missense variant.
Genome position (GRCh38, 1-based): chr6:89,793,889, G>A on the plus strand (C>T on the coding strand, the complement: MDN1 is on the minus strand). VCF-style: chr6-89793889-G-A. GRCh37 (hg19) VCF-style: chr6-90503608-G-A.
Other names: short protein forms S243F.
Identifiers: ClinVar variation 3042186 (VCV003042186.2), dbSNP rs77990038, ClinGen allele CA3926207.